The following is an entry in ClinVar:

ClinVar aggregate classification (germline): Pathogenic. Review status: criteria provided, multiple submitters, no conflicts (2 of 4 stars). 4 submissions from 4 submitters: Pathogenic (2). 2 of the submissions do not count toward it. Last evaluated 2025-08-18.

Conditions:
Leber congenital amaurosis 2 (LCA2). Also called: Autosomal Recessive RPE65-Related Retinal Degeneration; AMAUROSIS CONGENITA OF LEBER II. Identifiers: Orphanet 65, MedGen C1859844, MONDO:0008765, OMIM 204100. Disease mechanism: loss of function.
Retinitis pigmentosa 20 (RP20). Identifiers: Orphanet 791, MedGen C3151086, MONDO:0013425, OMIM 613794.
Leber congenital amaurosis (LCA). Also called: Leber's amaurosis. Identifiers: Orphanet 65, MedGen C0339527, MeSH D057130, MONDO:0018998.

Submissions (4):

Natera, Inc.
Classification: Pathogenic for Leber congenital amaurosis. Last evaluated: 2025-08-18. Review status: criteria provided, single submitter. Criteria: Natera Variant Classification Schema (03/2026). Collection method: clinical testing. Allele origin: germline.
Comment: The c.858+1G>A variant in RPE65 is a canonical splice donor site variant predicted to affect pre-mRNA splicing, which may result in an abnormal transcript and altered protein product. This variant is expected to result in nonsense mediated decay, truncation, or a dysfunctional protein product. This variant is rare in the general population with a frequency below the threshold expected for the associated phenotype(s). This variant has been observed in one or more individuals affected with the associated recessive disease, as either homozygous or compound heterozygous with a second variant (PMID: 35835501). Another variant at this same site results in an alteration predicted to cause a similar molecular effect has been observed in individual(s) with the associated phenotype. Given the available evidence, this variant is classified as Pathogenic.

Labcorp Genetics (formerly Invitae), Labcorp
Classification: Pathogenic for Leber congenital amaurosis 2; Retinitis pigmentosa 20. Last evaluated: 2023-10-05. Review status: criteria provided, single submitter. Criteria: Invitae Variant Classification Sherloc (09022015). Collection method: clinical testing. Allele origin: germline.
Comment: This sequence change affects a donor splice site in intron 8 of the RPE65 gene. It is expected to disrupt RNA splicing. Variants that disrupt the donor or acceptor splice site typically lead to a loss of protein function (PMID: 16199547), and loss-of-function variants in RPE65 are known to be pathogenic (PMID: 9326941, 9501220, 9843205, 18632300). This variant is not present in population databases (gnomAD no frequency). Disruption of this splice site has been observed in individual(s) with autosomal recessive RPE65-related conditions (PMID: 9326941, 10090910). It has also been observed to segregate with disease in related individuals. This variant is also known as c.912+1G>A. ClinVar contains an entry for this variant (Variation ID: 98892). Algorithms developed to predict the effect of sequence changes on RNA splicing suggest that this variant may disrupt the consensus splice site. For these reasons, this variant has been classified as Pathogenic.

Laboratory of Genetics in Ophthalmology, Institut Imagine
Classification: Pathogenic for Leber congenital amaurosis 2. Review status: no assertion criteria provided. Collection method: research. Allele origin: inherited. Affected: yes. Observed: 1 variant allele. Not counted in ClinVar's aggregate classification.

Retina International
No classification provided. Review status: no classification provided. Collection method: not provided. Allele origin: not provided. Not counted in ClinVar's aggregate classification.

Literature cited by the submitters: PubMed 35835501 (cited by Natera, Inc.); PubMed 16199547 (cited by Labcorp Genetics (formerly Invitae), Labcorp); PubMed 9326941 (cited by Labcorp Genetics (formerly Invitae), Labcorp); PubMed 9501220 (cited by Labcorp Genetics (formerly Invitae), Labcorp); PubMed 9843205 (cited by Labcorp Genetics (formerly Invitae), Labcorp); PubMed 18632300 (cited by Labcorp Genetics (formerly Invitae), Labcorp); PubMed 10090910 (cited by Labcorp Genetics (formerly Invitae), Labcorp and Laboratory of Genetics in Ophthalmology, Institut Imagine).

NM_000329.3(RPE65):c.858+1G>A

Gene: RPE65 (retinoid isomerohydrolase RPE65; minus strand). Cytogenetic location: 1p31.3.
Variant type: single nucleotide variant.
Coding change: c.858+1G>A on transcript NM_000329.3 (MANE Select); the canonical splice donor site of the intron after coding-DNA position 858, G replaced by A.
Molecular consequence: splice donor variant.
Genome position (GRCh38, 1-based): chr1:68,439,190, C>T on the plus strand (G>A on the coding strand, the complement: RPE65 is on the minus strand). VCF-style: chr1-68439190-C-T. GRCh37 (hg19) VCF-style: chr1-68904873-C-T.
Other names: c.582+1G>A (NM_001406857.1, NM_001406856.1); c.750+1G>A (NM_001406853.1); c.858+1G>A (NM_001406859.1).
Identifiers: ClinVar variation 98892 (VCV000098892.12), dbSNP rs61752899, ClinGen allele CA226582.